The following is an entry in ClinVar:

ClinVar aggregate classification (germline): Uncertain significance (1 of 4 stars; one submission).

Conditions:
Microcephaly-intellectual disability-sensorineural hearing loss-epilepsy-abnormal muscle tone syndrome (NEDHSB). Also called: NEURODEVELOPMENTAL DISORDER WITH HEARING LOSS, SEIZURES, AND BRAIN ABNORMALITIES. Identifiers: Orphanet 457351, MedGen C4225276, MONDO:0014698, OMIM 616577.

gnomAD v4.1: 1 of 1,613,212 alleles (0.000062%); highest among the groups gnomAD compares: Admixed American, 0.0017%; no homozygotes.

Submission:

Labcorp Genetics (formerly Invitae), Labcorp
Classification: Uncertain significance for Microcephaly-intellectual disability-sensorineural hearing loss-epilepsy-abnormal muscle tone syndrome. Last evaluated: 2024-11-11. Review status: criteria provided, single submitter. Criteria: Invitae Variant Classification Sherloc (09022015). Collection method: clinical testing. Allele origin: germline.
Comment: This sequence change replaces alanine, which is neutral and non-polar, with serine, which is neutral and polar, at codon 408 of the SPATA5 protein (p.Ala408Ser). This variant is present in population databases (no rsID available, gnomAD 0.003%). This variant has not been reported in the literature in individuals affected with SPATA5-related conditions. ClinVar contains an entry for this variant (Variation ID: 1432733). Invitae Evidence Modeling of protein sequence and biophysical properties (such as structural, functional, and spatial information, amino acid conservation, physicochemical variation, residue mobility, and thermodynamic stability) has been performed for this missense variant. However, the output from this modeling did not meet the statistical confidence thresholds required to predict the impact of this variant on SPATA5 protein function. In summary, the available evidence is currently insufficient to determine the role of this variant in disease. Therefore, it has been classified as a Variant of Uncertain Significance.

NM_145207.3(AFG2A):c.1222G>T (p.Ala408Ser)

Gene: AFG2A (AFG2 AAA ATPase homolog A; plus strand). Cytogenetic location: 4q28.1.
Variant type: single nucleotide variant.
Coding change: c.1222G>T on transcript NM_145207.3 (MANE Select); coding-DNA position 1222, G replaced by T.
Protein change: p.Ala408Ser; replaces alanine 408 with serine.
Molecular consequence: missense variant.
Genome position (GRCh38, 1-based): chr4:122,935,788, G>T. VCF-style: chr4-122935788-G-T. GRCh37 (hg19) VCF-style: chr4-123856943-G-T.
Other names: c.1219G>T, p.Ala407Ser (NM_001317799.2, NM_001345856.2); short protein forms A408S, A407S.
Identifiers: ClinVar variation 1432733 (VCV001432733.4), dbSNP rs1171191374, ClinGen allele CA358103977.